The following is an entry in ClinVar:

NM_001034853.2(RPGR):c.2379del (p.Gly794fs)

Gene: RPGR (retinitis pigmentosa GTPase regulator; minus strand). Cytogenetic location: Xp11.4.
Variant type: Deletion.
Coding change: c.2379del on transcript NM_001034853.2 (MANE Select); coding-DNA position 2379, one base deleted (A; older notation c.2379delA).
Protein change: p.Gly794fs; shifts the reading frame from glycine 794.
Molecular consequence: frameshift variant. On other transcripts: intron variant (8).
Genome position (GRCh38, 1-based): chrX:38,286,620, T deleted on the plus strand (A on the coding strand, the reverse complement: RPGR is on the minus strand); the first of 2 consecutive T bases (chrX:38,286,620-38,286,621); deleting either gives the same sequence. VCF-style (leftmost placement, unchanged base first): chrX-38286619-CT-C. GRCh37 (hg19) VCF-style: chrX-38145872-CT-C.
Other names: c.1569+4339del (NM_001367249.1, NM_001367250.1); c.1902+474del (NM_001367245.1); c.1386+4339del (NM_001367251.1); c.1719+474del (NM_001367246.1); c.1572+4339del (NM_001367247.1); c.1905+474del (NM_000328.3); c.1602+4339del (NM_001367248.1); short protein forms G794fs.
Identifiers: ClinVar variation 4856796 (VCV004856796.1).

ClinVar aggregate classification (germline): Likely pathogenic (0 of 4 stars; one submission).

Conditions:
Retinitis pigmentosa 3. Also called: CHOROIDORETINAL DEGENERATION WITH RETINAL REFLEX IN HETEROZYGOUS WOMEN. Identifiers: Orphanet 791, MedGen C1845667, MONDO:0010227, OMIM 300029.

Submission:

Department of Medical Genetics, Unidade Local de Saúde de Coimbra
Classification: Likely pathogenic for Retinitis pigmentosa 3. Review status: no assertion criteria provided. Collection method: clinical testing. Allele origin: unknown. Inheritance: X-linked inheritance. Affected: yes. Observed: 1 variant allele, 1 hemizygote.
Comment: The c.2379del p.Gly794GlufsTer21 variant in RPGR is a single-nucleotide deletion in the coding sequence that alters the reading frame from codon 794, replacing the glycine at this position with a different amino acid sequence and introducing a premature termination codon 21 amino acids downstream. This variant was identified in a Portuguese family affected by X‑linked retinitis pigmentosa (XLRP) and was not detected in large population databases.

Literature cited by the submitters: PubMed 42521440.